The following is an entry in ClinVar:

NM_001082486.2(ACD):c.1036C>T (p.Pro346Ser)

Gene: ACD (ACD shelterin complex subunit and telomerase recruitment factor; minus strand). Cytogenetic location: 16q22.1.
Variant type: single nucleotide variant.
Coding change: c.1036C>T on transcript NM_001082486.2 (MANE Select); coding-DNA position 1036, C replaced by T.
Protein change: p.Pro346Ser; replaces proline 346 with serine.
Molecular consequence: missense variant.
Genome position (GRCh38, 1-based): chr16:67,658,156, G>A on the plus strand (C>T on the coding strand, the complement: ACD is on the minus strand). VCF-style: chr16-67658156-G-A. GRCh37 (hg19) VCF-style: chr16-67692059-G-A.
Other names: c.949C>T, p.Pro317Ser (NM_001410884.1); c.1027C>T, p.Pro343Ser (NM_022914.3); short protein forms P346S, P317S, P343S.
Identifiers: ClinVar variation 3480420 (VCV003480420.1).
Genomic context (GRCh38, chr16:67,658,156, plus strand): 5'-GGGGCCTGGTCACAAGAGCCTGGTGTGGACTGGGGACATGGCTACGGGGTGAGAGACTGG[G>A]AGTGCAGCTCTGGAGTGGGGAGCTGGGGGTACGGCTGGCGTGTGGGGACCTGGGGGTCAG-3'
Protein context (NP_001075955.2, residues 336-356): TPSSPLQSCT[Pro346Ser]SLSPRSHVPS

ClinVar aggregate classification (germline): Uncertain significance (1 of 4 stars; one submission).

Conditions:
Inborn genetic diseases. Identifiers: MedGen C0950123, MeSH D030342.

Submission:

Ambry Genetics
Classification: Uncertain significance for Inborn genetic diseases. Last evaluated: 2024-10-14. Review status: criteria provided, single submitter. Criteria: Ambry Variant Classification Scheme 2023. Collection method: clinical testing. Allele origin: germline.
Comment: The p.P432S variant (also known as c.1294C>T), located in coding exon 10 of the ACD gene, results from a C to T substitution at nucleotide position 1294. The proline at codon 432 is replaced by serine, an amino acid with similar properties. This amino acid position is conserved. In addition, the in silico prediction for this alteration is inconclusive. Based on the available evidence, the clinical significance of this variant remains unclear.